The following is an entry in ClinVar:

ClinVar aggregate classification (germline): Uncertain significance (1 of 4 stars; one submission).

Conditions:
Multiple gastrointestinal atresias. Also called: Multiple intestinal atresia; FAMILIAL INTESTINAL POLYATRESIA SYNDROME. Identifiers: Orphanet 2300, MedGen C0220744, MONDO:0009465.

Submission:

Labcorp Genetics (formerly Invitae), Labcorp
Classification: Uncertain significance for Multiple gastrointestinal atresias. Last evaluated: 2020-06-22. Review status: criteria provided, single submitter. Criteria: Invitae Variant Classification Sherloc (09022015). Collection method: clinical testing. Allele origin: germline.
Comment: This variant has not been reported in the literature in individuals with TTC7A-related conditions. In summary, the available evidence is currently insufficient to determine the role of this variant in disease. Therefore, it has been classified as a Variant of Uncertain Significance. Algorithms developed to predict the effect of missense changes on protein structure and function (SIFT, PolyPhen-2, Align-GVGD) all suggest that this variant is likely to be tolerated, but these predictions have not been confirmed by published functional studies and their clinical significance is uncertain. This variant is not present in population databases (ExAC no frequency). This sequence change replaces isoleucine with phenylalanine at codon 342 of the TTC7A protein (p.Ile342Phe). The isoleucine residue is moderately conserved and there is a small physicochemical difference between isoleucine and phenylalanine.

NM_020458.4(TTC7A):c.1024A>T (p.Ile342Phe)

Gene: TTC7A (tetratricopeptide repeat domain 7A; plus strand). Cytogenetic location: 2p21.
Variant type: single nucleotide variant.
Coding change: c.1024A>T on transcript NM_020458.4 (MANE Select); coding-DNA position 1024, A replaced by T.
Protein change: p.Ile342Phe; replaces isoleucine 342 with phenylalanine.
Molecular consequence: missense variant. On other transcripts: 5 prime UTR variant (1).
Genome position (GRCh38, 1-based): chr2:46,995,158, A>T. VCF-style: chr2-46995158-A-T. GRCh37 (hg19) VCF-style: chr2-47222297-A-T.
Other names: c.1024A>T, p.Ile342Phe (NM_001288951.2); c.922A>T, p.Ile308Phe (NM_001288953.2); c.-39A>T (NM_001288955.2); short protein forms I308F, I342F.
Identifiers: ClinVar variation 1005807 (VCV001005807.7), dbSNP rs149020036, ClinGen allele CA346713957.